The following is an entry in ClinVar:

NM_001040108.2(MLH3):c.2391C>T (p.Arg797=)

Gene: MLH3 (mutL homolog 3; minus strand). Cytogenetic location: 14q24.3.
Variant type: single nucleotide variant.
Coding change: c.2391C>T on transcript NM_001040108.2 (MANE Select); coding-DNA position 2391, C replaced by T.
Protein change: p.Arg797=; no amino-acid change (arginine 797 retained).
Molecular consequence: synonymous variant.
Genome position (GRCh38, 1-based): chr14:75,047,265, G>A on the plus strand (C>T on the coding strand, the complement: MLH3 is on the minus strand). VCF-style: chr14-75047265-G-A. GRCh37 (hg19) VCF-style: chr14-75513968-G-A.
Other names: c.2391C>T, p.Arg797= (NM_014381.3).
Identifiers: ClinVar variation 1096936 (VCV001096936.12), dbSNP rs766063089, ClinGen allele CA7275710.
Genomic context (GRCh38, chr14:75,047,265, plus strand): 5'-ACTACTATCTGAATCACTATGCTCCATAGTAGTGATTTTACAAACATCAGAGTTCTCTAA[G>A]CGGTTCTTGTCCTTCAGCAGAATGTCAGGTTCAACTTGAAGACTGAGATTGGTAGTGACT-3'
Protein context (NP_001035197.1, residues 787-807): EPDILLKDKN[Arg797=]LENSDVCKIT

ClinVar aggregate classification (germline): Benign/Likely benign. Review status: criteria provided, multiple submitters, no conflicts (2 of 4 stars). 3 submissions from 3 submitters: Benign (1); Likely benign (2). Last evaluated 2026-05-04.

Conditions:
Colorectal cancer, hereditary nonpolyposis, type 7. Identifiers: Orphanet 144, MedGen C1858380, MONDO:0013725, OMIM 614385.

Allele frequency attached by ClinVar (database versions not stated): gnomAD exomes below 0.00001 and 0.00002; TOPMed 0.00001; gnomAD 0.00001; ExAC 0.00002.
gnomAD v4.1: 25 of 1,614,024 alleles (0.0015%); highest among the groups gnomAD compares: Non-Finnish European, 0.002%; no homozygotes.

Submissions (3):

Myriad Genetics, Inc.
Classification: Benign for Colorectal cancer, hereditary nonpolyposis, type 7. Last evaluated: 2026-05-04. Review status: criteria provided, single submitter. Criteria: Myriad Autosomal Dominant, Autosomal Recessive and X-Linked Classification Criteria (2023). Collection method: clinical testing. Allele origin: unknown.
Comment: This variant is considered benign. This variant is a silent/synonymous amino acid change and it is not expected to impact splicing.

Labcorp Genetics (formerly Invitae), Labcorp
Classification: Likely benign for Colorectal cancer, hereditary nonpolyposis, type 7. Last evaluated: 2022-02-28. Review status: criteria provided, single submitter. Criteria: Invitae Variant Classification Sherloc (09022015). Collection method: clinical testing. Allele origin: germline.

Ambry Genetics
Classification: Likely benign. Last evaluated: 2021-04-23. Review status: criteria provided, single submitter. Criteria: Ambry Variant Classification Scheme 2023. Collection method: clinical testing. Allele origin: germline.